The following is an entry in ClinVar:

ClinVar aggregate classification (germline): Pathogenic (1 of 4 stars; one submission).

Conditions:
Charcot-Marie-Tooth disease type 4. Also called: Charcot-Marie-Tooth disease, type IV; Charcot-Marie-Tooth, Type 4. Identifiers: Orphanet 64749, MedGen C4082197, MONDO:0018995.

Submission:

Labcorp Genetics (formerly Invitae), Labcorp
Classification: Pathogenic for Charcot-Marie-Tooth disease type 4. Last evaluated: 2024-10-07. Review status: criteria provided, single submitter. Criteria: Invitae Variant Classification Sherloc (09022015). Collection method: clinical testing. Allele origin: germline.
Comment: This sequence change creates a premature translational stop signal (p.Gly727Glufs*53) in the FIG4 gene. It is expected to result in an absent or disrupted protein product. Loss-of-function variants in FIG4 are known to be pathogenic (PMID: 23623387, 30740813). This variant is not present in population databases (gnomAD no frequency). This variant has not been reported in the literature in individuals affected with FIG4-related conditions. ClinVar contains an entry for this variant (Variation ID: 2091633). For these reasons, this variant has been classified as Pathogenic.

Literature cited by the submitters: PubMed 23623387; PubMed 30740813.

NM_014845.6(FIG4):c.2180+1del

Gene: FIG4 (FIG4 phosphoinositide 5-phosphatase; plus strand). Cytogenetic location: 6q21.
Variant type: Deletion.
Coding change: c.2180+1del on transcript NM_014845.6 (MANE Select); the canonical splice donor site of the intron after coding-DNA position 2180, one base deleted (G; older notation c.2180+1delG).
Molecular consequence: splice donor variant.
Genome position (GRCh38, 1-based): chr6:109,789,678, G deleted; the last of 4 consecutive G bases (chr6:109,789,675-109,789,678); deleting any one gives the same sequence. VCF-style (leftmost placement, unchanged base first): chr6-109789674-TG-T. GRCh37 (hg19) VCF-style: chr6-110110877-TG-T.
Identifiers: ClinVar variation 2091633 (VCV002091633.4), dbSNP rs2486228014, ClinGen allele CA2580075005.